The following is an entry in ClinVar:

NM_000135.4(FANCA):c.2222+9G>T

Gene: FANCA (FA complementation group A; minus strand). Cytogenetic location: 16q24.3.
Variant type: single nucleotide variant.
Coding change: c.2222+9G>T on transcript NM_000135.4 (MANE Select); 9 bases into the intron after coding-DNA position 2222, G replaced by T.
Molecular consequence: intron variant.
Genome position (GRCh38, 1-based): chr16:89,770,555, C>A on the plus strand (G>T on the coding strand, the complement: FANCA is on the minus strand). VCF-style: chr16-89770555-C-A. GRCh37 (hg19) VCF-style: chr16-89836963-C-A.
Other names: c.2222+9G>T (NM_001286167.3).
Identifiers: ClinVar variation 3344953 (VCV003344953.1).
Genomic context (GRCh38, chr16:89,770,555, plus strand): 5'-CAGACTTGGCCCAGCAAGAGGTGGCACCCAGAGGAGCCCCACCACTCAGGGAGCTGCCCG[C>A]GCCTTCACCTCTCCGGGGGAGCGACACTGGAGGCAGCCATCAGGTTCTGACAGAAAGACG-3'

ClinVar aggregate classification (germline): Likely benign (0 of 4 stars; one submission).

Conditions:
FANCA-related disorder. Also called: FANCA-related condition.

gnomAD v4.1: 1 of 1,601,936 alleles (0.000062%); highest among the groups gnomAD compares: Non-Finnish European, 0.000085%; no homozygotes.

Submission:

PreventionGenetics, part of Exact Sciences
Classification: Likely benign for FANCA-related condition. Last evaluated: 2024-04-25. Review status: no assertion criteria provided. Collection method: clinical testing. Allele origin: germline.
Comment: This variant is classified as likely benign based on ACMG/AMP sequence variant interpretation guidelines (Richards et al. 2015 PMID: 25741868, with internal and published modifications).